The following is an entry in ClinVar:

ClinVar aggregate classification (germline): Uncertain significance (1 of 4 stars; one submission).

Conditions:
Hereditary cancer-predisposing syndrome. Also called: Neoplastic Syndromes, Hereditary; Tumor predisposition; Hereditary Cancer Syndrome; Hereditary neoplastic syndrome. Identifiers: Orphanet 140162, MedGen C0027672, MeSH D009386, MONDO:0015356.

Submission:

Ambry Genetics
Classification: Uncertain significance for Hereditary cancer-predisposing syndrome. Last evaluated: 2025-12-21. Review status: criteria provided, single submitter. Criteria: Ambry Variant Classification Scheme 2023. Collection method: clinical testing. Allele origin: germline.
Comment: The p.L1041H variant (also known as c.3122T>A), located in coding exon 15 of the BLM gene, results from a T to A substitution at nucleotide position 3122. The leucine at codon 1041 is replaced by histidine, an amino acid with similar properties. This amino acid position is conserved. In addition, this alteration is predicted to be deleterious by in silico analysis. Based on the available evidence, the clinical significance of this variant remains unclear.

NM_000057.4(BLM):c.3122T>A (p.Leu1041His)

Gene: BLM (BLM RecQ like helicase; plus strand). Cytogenetic location: 15q26.1.
Variant type: single nucleotide variant.
Coding change: c.3122T>A on transcript NM_000057.4 (MANE Select); coding-DNA position 3122, T replaced by A.
Protein change: p.Leu1041His; replaces leucine 1041 with histidine.
Molecular consequence: missense variant.
Genome position (GRCh38, 1-based): chr15:90,794,269, T>A. VCF-style: chr15-90794269-T-A. GRCh37 (hg19) VCF-style: chr15-91337499-T-A.
Other names: c.3122T>A, p.Leu1041His (NM_001287246.2, NM_001287247.2); c.1997T>A, p.Leu666His (NM_001287248.2); short protein forms L1041H, L666H.
Identifiers: ClinVar variation 4843392 (VCV004843392.1).
Genomic context (GRCh38, chr15:90,794,269, plus strand): 5'-ATAATTTGTATAGCATGGTACATTACTGTGAAAATATAACGGAATGCAGGAGAATACAGC[T>A]TTTGGCCTACTTTGGTGAAAATGGATTTAATCCTGATTTTTGTAAGAAACACCCAGATGT-3'
Protein context (NP_000048.1, residues 1031-1051): ENITECRRIQ[Leu1041His]LAYFGENGFN